The following is an entry in ClinVar:

NM_021224.6(ZNF462):c.1173G>C (p.Glu391Asp)

Gene: ZNF462 (zinc finger protein 462; plus strand). Cytogenetic location: 9q31.2.
Variant type: single nucleotide variant.
Coding change: c.1173G>C on transcript NM_021224.6 (MANE Select); coding-DNA position 1173, G replaced by C.
Protein change: p.Glu391Asp; replaces glutamic acid 391 with aspartic acid.
Molecular consequence: missense variant.
Genome position (GRCh38, 1-based): chr9:106,925,085, G>C. VCF-style: chr9-106925085-G-C. GRCh37 (hg19) VCF-style: chr9-109687366-G-C.
Other names: c.1173G>C, p.Glu391Asp (NM_001347997.2); short protein forms E391D.
Identifiers: ClinVar variation 1029813 (VCV001029813.1), dbSNP rs1830136626, ClinGen allele CA374383979.

ClinVar aggregate classification (germline): Uncertain significance (1 of 4 stars; one submission).

Conditions:
Weiss-Kruszka syndrome. Also called: Metopic ridging-ptosis-facial dysmorphism syndrome. Identifiers: Orphanet 502430, MedGen C5568107, MONDO:0032836, OMIM 618619.

Submission:

Baylor Genetics
Classification: Uncertain significance for Weiss-Kruszka syndrome. Last evaluated: 2020-09-01. Review status: criteria provided, single submitter. Criteria: ACMG Guidelines, 2015. Collection method: clinical testing. Allele origin: unknown. Affected: yes.
Comment: This variant was determined to be of uncertain significance according to ACMG Guidelines, 2015 [PMID:25741868].